The following is an entry in ClinVar:

NM_004336.5(BUB1):c.2578A>T (p.Asn860Tyr)

Gene: BUB1 (BUB1 mitotic checkpoint serine/threonine kinase; minus strand). Cytogenetic location: 2q13.
Variant type: single nucleotide variant.
Coding change: c.2578A>T on transcript NM_004336.5 (MANE Select); coding-DNA position 2578, A replaced by T.
Protein change: p.Asn860Tyr; replaces asparagine 860 with tyrosine.
Molecular consequence: missense variant.
Genome position (GRCh38, 1-based): chr2:110,641,689, T>A on the plus strand (A>T on the coding strand, the complement: BUB1 is on the minus strand). VCF-style: chr2-110641689-T-A. GRCh37 (hg19) VCF-style: chr2-111399266-T-A.
Other names: c.2518A>T, p.Asn840Tyr (NM_001278616.2); c.2578A>T, p.Asn860Tyr (NM_001278617.2); short protein forms N860Y, N840Y.
Identifiers: ClinVar variation 2451222 (VCV002451222.2), dbSNP rs2467972028, ClinGen allele CA348090233.

ClinVar aggregate classification (germline): Uncertain significance (1 of 4 stars; one submission).

Submission:

Ambry Genetics
Classification: Uncertain significance. Last evaluated: 2022-11-07. Review status: criteria provided, single submitter. Criteria: Ambry Variant Classification Scheme 2023. Collection method: clinical testing. Allele origin: germline.
Comment: The p.N860Y variant (also known as c.2578A>T), located in coding exon 21 of the BUB1 gene, results from an A to T substitution at nucleotide position 2578. The asparagine at codon 860 is replaced by tyrosine, an amino acid with dissimilar properties. This amino acid position is conserved. In addition, this alteration is predicted to be tolerated by in silico analysis. Since supporting evidence is limited at this time, the clinical significance of this alteration remains unclear.